The following is an entry in ClinVar:

ClinVar aggregate classification (germline): Uncertain significance. Review status: criteria provided, multiple submitters, no conflicts (2 of 4 stars). 2 submissions from 2 submitters: Uncertain significance (2). Last evaluated 2024-12-01.

Submissions (2):

Dasa
Classification: Uncertain significance. Last evaluated: 2024-12-01. Review status: criteria provided, single submitter. Criteria: DASA Assertion Criteria. Collection method: clinical testing. Allele origin: germline.
Comment: NM_001083962.2(TCF4):c.1238G>C (p.Gly413Ala) is a missense variant that results in the substitution of glycine with alanine. This variant is absent from population databases. Computational prediction algorithms are consistent with a benign effect. The currently available literature and clinical evidence are not sufficient to establish a definitive association between this variant and the reported condition. Therefore, this variant is classified as a variant of uncertain significance.

Blueprint Genetics
Classification: Uncertain significance. Last evaluated: 2024-02-07. Review status: criteria provided, single submitter. Criteria: ACMG Guidelines, 2015. Collection method: clinical testing. Allele origin: germline.

NM_001083962.2(TCF4):c.1238G>C (p.Gly413Ala)

Gene: TCF4 (transcription factor 4; minus strand). Cytogenetic location: 18q21.2.
Variant type: single nucleotide variant.
Coding change: c.1238G>C on transcript NM_001083962.2 (MANE Select); coding-DNA position 1238, G replaced by C.
Protein change: p.Gly413Ala; replaces glycine 413 with alanine.
Molecular consequence: missense variant.
Genome position (GRCh38, 1-based): chr18:55,254,609, C>G on the plus strand (G>C on the coding strand, the complement: TCF4 is on the minus strand). VCF-style: chr18-55254609-C-G. GRCh37 (hg19) VCF-style: chr18-52921840-C-G.
Other names: c.1544G>C, p.Gly515Ala (NM_001243226.3); c.1166G>C, p.Gly389Ala (NM_001243227.2, NM_001306207.1, NM_001348217.1 and 5 more transcripts); c.1256G>C, p.Gly419Ala (NM_001243228.2); c.1229G>C, p.Gly410Ala (NM_001243230.2); c.1112G>C, p.Gly371Ala (NM_001243231.2, NM_001348211.2); c.1025G>C, p.Gly342Ala (NM_001243232.1, NM_001306208.1); c.848G>C, p.Gly283Ala (NM_001243233.2, NM_001330605.3, NM_001348212.2 and 1 more transcripts); c.758G>C, p.Gly253Ala (NM_001243234.2, NM_001243235.2, NM_001243236.2 and 1 more transcripts); and 6 more; short protein forms G197A, G252A, G253A, G283A, G342A, G371A, G388A, G389A.
Identifiers: ClinVar variation 4883527 (VCV004883527.3).
Genomic context (GRCh38, chr18:55,254,609, plus strand): 5'-AGACCACCCATGGCTCCATTATGAGAAGGTCCAATGATTCCATGCATGTCCCCATGACCA[C>G]CAGGCATAGCTGTGGATGGGCCCACTGCATGGTTCCGGAGAACATGAATAGCATCATCCA-3'
Protein context (NP_001077431.1, residues 403-423): HAVGPSTAMP[Gly413Ala]GHGDMHGIIG